The following is an entry in ClinVar:

GRCh38/hg38 22q11.21(chr22:20690750-21101267)x3

Genes: AIFM3 (AIF family member 3; plus strand), CRKL (CRK like proto-oncogene, adaptor protein; plus strand), LINC01637 (long independently transcribed non-coding RNA 1637; plus strand), LRRC74B (leucine rich repeat containing 74B; plus strand), LRRC74BNL (LRRC74B N-terminal like; minus strand) and 34 more. Cytogenetic location: 22q11.21.
Variant type: copy number gain.
Change: copy number 3 (three copies instead of two) of chr22:20,690,750-21,101,267 (410.5 kb, GRCh38 coordinates, 1-based), cytogenetic band 22q11.21.
Identifiers: ClinVar variation 58215 (VCV000058215.3).

ClinVar aggregate classification (germline): Pathogenic (1 of 4 stars; one submission).

Submission:

ISCA Site 6
Classification: Pathogenic. Last evaluated: 2011-08-12. Review status: criteria provided, single submitter. Criteria: Kaminsky et al. (Genet Med. 2011). Collection method: clinical testing. Allele origin: de novo. Affected: yes. Observed: 1 variant allele.
Comment: Copy number variation identified through the course of routine clinical cytogenomic testing in postnatal populations. Clinical assertions have been curated as described in Kaminsky et al. 2011.